The following is an entry in ClinVar:

NM_000155.4(GALT):c.502G>A (p.Val168Met)

Gene: GALT (galactose-1-phosphate uridylyltransferase; plus strand). Cytogenetic location: 9p13.3.
Variant type: single nucleotide variant.
Coding change: c.502G>A on transcript NM_000155.4 (MANE Select); coding-DNA position 502, G replaced by A.
Protein change: p.Val168Met; replaces valine 168 with methionine.
Molecular consequence: missense variant.
Genome position (GRCh38, 1-based): chr9:34,647,956, G>A. VCF-style: chr9-34647956-G-A. GRCh37 (hg19) VCF-style: chr9-34647953-G-A.
Other names: c.175G>A, p.Val59Met (NM_001258332.2); short protein forms V168M, V59M.
Identifiers: ClinVar variation 371128 (VCV000371128.10), dbSNP rs367543258, ClinGen allele CA16041306.

ClinVar aggregate classification (germline): Pathogenic/Likely pathogenic. Review status: criteria provided, multiple submitters, no conflicts (2 of 4 stars). 4 submissions from 4 submitters: Pathogenic (2); Likely pathogenic (1). 1 of the submissions does not count toward it. Last evaluated 2025-12-31.

Conditions:
Deficiency of UDPglucose-hexose-1-phosphate uridylyltransferase. Also called: GALACTOSEMIA I; GALACTOSE-1-PHOSPHATE URIDYLYLTRANSFERASE DEFICIENCY; Transferase Deficiency Galactosemia; GALT deficiency; Galactosemia, classic. Identifiers: Orphanet 352, Orphanet 79239, MedGen C0268151, MONDO:0009258, OMIM 230400.
Galactosemia. Also called: Galactose intolerance. Identifiers: Orphanet 352, MedGen C0016952, MONDO:0018116, HP:0004919. Disease mechanism: loss of function.

Submissions (4):

Natera, Inc.
Classification: Likely pathogenic for Galactosemia. Last evaluated: 2025-12-31. Review status: criteria provided, single submitter. Criteria: Natera Variant Classification Schema (03/2026). Collection method: clinical testing. Allele origin: germline.
Comment: The c.502G>A variant in GALT is a missense variant predicted to cause substitution of valine to methionine at amino acid 168. This variant is rare in the general population with a frequency below the threshold expected for the associated phenotype(s). This variant has been observed in one or more individuals affected with the associated recessive disease, as either homozygous or compound heterozygous with a second variant (PMID: 22944367, 20100763). A different variant at the same position has been determined to be Pathogenic or Likely Pathogenic. Computational prediction algorithms indicate this variant is likely to affect gene or protein function. Given the available evidence, this variant is classified as Likely Pathogenic.

Women's Health and Genetics/Laboratory Corporation of America, LabCorp
Classification: Pathogenic for Deficiency of UDPglucose-hexose-1-phosphate uridylyltransferase. Last evaluated: 2025-05-27. Review status: criteria provided, single submitter. Criteria: LabCorp Variant Classification Summary - May 2015. Collection method: clinical testing. Allele origin: germline.
Comment: Variant summary: GALT c.502G>A (p.Val168Met) results in a conservative amino acid change in the encoded protein sequence. Algorithms developed to predict the effect of missense changes on protein structure and function are either unavailable or do not agree on the potential impact of this missense change. The variant was absent in 251646 control chromosomes. c.502G>A has been observed in compound heterozygous genotype in individuals affected with Galactosemia (Boutron_2012, Yang_2017). These data indicate that the variant is likely to be associated with disease. A different variant affecting the same codon has been classified as likely pathogenic/pathogenic by our lab (c.502G>T, p.Val168Leu), supporting the critical relevance of codon 168 to GALT protein function. To our knowledge, no experimental evidence demonstrating an impact on protein function has been reported. ClinVar contains an entry for this variant (Variation ID: 371128). Based on the evidence outlined above, the variant was classified as pathogenic.

Labcorp Genetics (formerly Invitae), Labcorp
Classification: Pathogenic for Deficiency of UDPglucose-hexose-1-phosphate uridylyltransferase. Last evaluated: 2022-02-02. Review status: criteria provided, single submitter. Criteria: Invitae Variant Classification Sherloc (09022015). Collection method: clinical testing. Allele origin: germline.
Comment: For these reasons, this variant has been classified as Pathogenic. This variant disrupts the p.Val168 amino acid residue in GALT. Other variant(s) that disrupt this residue have been determined to be pathogenic (PMID: 22461411, 24045215). This suggests that this residue is clinically significant, and that variants that disrupt this residue are likely to be disease-causing. Advanced modeling of protein sequence and biophysical properties (such as structural, functional, and spatial information, amino acid conservation, physicochemical variation, residue mobility, and thermodynamic stability) performed at Invitae indicates that this missense variant is expected to disrupt GALT protein function. ClinVar contains an entry for this variant (Variation ID: 371128). This missense change has been observed in individuals with galactosemia (PMID: 22944367, 28173647). This variant is not present in population databases (gnomAD no frequency). This sequence change replaces valine, which is neutral and non-polar, with methionine, which is neutral and non-polar, at codon 168 of the GALT protein (p.Val168Met).

Counsyl
Classification: Likely pathogenic for Deficiency of UDPglucose-hexose-1-phosphate uridylyltransferase. Last evaluated: 2016-07-20. Review status: no assertion criteria provided. Collection method: clinical testing. Allele origin: unknown. Not counted in ClinVar's aggregate classification.

Literature cited by the submitters: PubMed 22944367 (cited by 4 submitters); PubMed 20100763 (cited by Natera, Inc. and Counsyl); PubMed 28173647 (cited by Women's Health and Genetics/Laboratory Corporation of America, LabCorp and Labcorp Genetics (formerly Invitae), Labcorp); PubMed 22461411 (cited by Labcorp Genetics (formerly Invitae), Labcorp); PubMed 24045215 (cited by Labcorp Genetics (formerly Invitae), Labcorp).